The following is an entry in ClinVar:

ClinVar aggregate classification (germline): Likely benign. Review status: criteria provided, multiple submitters, no conflicts (2 of 4 stars). 2 submissions from 2 submitters: Likely benign (2). Last evaluated 2023-06-08.

Conditions:
Malignant hyperthermia, susceptibility to, 1 (MHS1). Also called: RYR1-Related Malignant Hyperthermia Susceptibility; Malignant hyperthermia suceptibility 1; Anesthesia related hyperthermia; Malignant hyperpyrexia; Fulminating hyperpyrexia; Pharmacogenic myopathy. Identifiers: Orphanet 423, MedGen C2930980, MONDO:0007783, OMIM 145600.
RYR1-related disorder. Also called: RYR1-related condition; RYR1-related disorders. Identifiers: MedGen CN239331.

Submissions (2):

All of Us Research Program, National Institutes of Health
Classification: Likely benign for Malignant hyperthermia, susceptibility to, 1. Last evaluated: 2023-06-08. Review status: criteria provided, single submitter. Criteria: ACMG Guidelines, 2015. Collection method: clinical testing. Allele origin: germline. Inheritance: Autosomal dominant inheritance. Observed: 1 variant allele, 1 heterozygote.
Comment: This study involves interpretation of variants in research participants for the purpose of population health screening. Participant phenotype was not available at the time of variant classification. Additional details can be found in publication PMID: 35346344, PMCID: PMC8962531

Labcorp Genetics (formerly Invitae), Labcorp
Classification: Likely benign for RYR1-related disorder. Last evaluated: 2019-06-05. Review status: criteria provided, single submitter. Criteria: Invitae Variant Classification Sherloc (09022015). Collection method: clinical testing. Allele origin: germline.

NM_000540.3(RYR1):c.6174C>T (p.Thr2058=)

Gene: RYR1 (ryanodine receptor 1; plus strand). Cytogenetic location: 19q13.2.
Variant type: single nucleotide variant.
Coding change: c.6174C>T on transcript NM_000540.3 (MANE Select); coding-DNA position 6174, C replaced by T.
Protein change: p.Thr2058=; no amino-acid change (threonine 2058 retained).
Molecular consequence: synonymous variant.
Genome position (GRCh38, 1-based): chr19:38,492,536, C>T. VCF-style: chr19-38492536-C-T. GRCh37 (hg19) VCF-style: chr19-38983176-C-T.
Other names: c.6174C>T, p.Thr2058= (NM_001042723.2).
Identifiers: ClinVar variation 1138746 (VCV001138746.5), dbSNP rs2145570452, ClinGen allele CA081964.